The following is an entry in ClinVar:

NM_020708.5(SLC12A5):c.749A>C (p.Lys250Thr)

Gene: SLC12A5 (solute carrier family 12 member 5; plus strand). Cytogenetic location: 20q13.12.
Variant type: single nucleotide variant.
Coding change: c.749A>C on transcript NM_020708.5 (MANE Select); coding-DNA position 749, A replaced by C.
Protein change: p.Lys250Thr; replaces lysine 250 with threonine.
Molecular consequence: missense variant.
Genome position (GRCh38, 1-based): chr20:46,040,509, A>C. VCF-style: chr20-46040509-A-C. GRCh37 (hg19) VCF-style: chr20-44669148-A-C.
Other names: c.818A>C, p.Lys273Thr (NM_001134771.2); short protein forms K273T, K250T.
Identifiers: ClinVar variation 1993422 (VCV001993422.4), dbSNP rs2515637649, ClinGen allele CA409189897.
Genomic context (GRCh38, chr20:46,040,509, plus strand): 5'-TGCGTGTTTACGGCACCTGTGTGCTCACCTGCATGGCCACTGTGGTGTTTGTGGGTGTCA[A>C]GTATGTCAACAAGTTTGCCCTTGTCTTCCTGGGTTGTGTCATCCTCTCCATCCTGGCCAT-3'
Protein context (NP_065759.1, residues 240-260): CMATVVFVGV[Lys250Thr]YVNKFALVFL

ClinVar aggregate classification (germline): Uncertain significance (1 of 4 stars; one submission).

Conditions:
Developmental and epileptic encephalopathy, 34 (DEE34). Also called: SLC12A5-Related Epilepsy of Infancy with Migrating Focal Seizures; Early infantile epileptic encephalopathy 34. Identifiers: Orphanet 293181, MedGen C4225257, MONDO:0014718, OMIM 616645.

Submission:

Labcorp Genetics (formerly Invitae), Labcorp
Classification: Uncertain significance for Developmental and epileptic encephalopathy, 34. Last evaluated: 2022-10-25. Review status: criteria provided, single submitter. Criteria: Invitae Variant Classification Sherloc (09022015). Collection method: clinical testing. Allele origin: germline.
Comment: Advanced modeling of protein sequence and biophysical properties (such as structural, functional, and spatial information, amino acid conservation, physicochemical variation, residue mobility, and thermodynamic stability) performed at Invitae indicates that this missense variant is expected to disrupt SLC12A5 protein function. In summary, the available evidence is currently insufficient to determine the role of this variant in disease. Therefore, it has been classified as a Variant of Uncertain Significance. This variant has not been reported in the literature in individuals affected with SLC12A5-related conditions. This variant is not present in population databases (gnomAD no frequency). This sequence change replaces lysine, which is basic and polar, with threonine, which is neutral and polar, at codon 250 of the SLC12A5 protein (p.Lys250Thr).